The following is an entry in ClinVar:

NM_005732.4(RAD50):c.3489_3495del (p.Glu1164fs)

Genes: RAD50 (RAD50 double strand break repair protein; plus strand), TH2LCRR (T helper type 2 locus control region associated RNA; minus strand), TH2-LCR (Th2 cytokine locus control region; plus strand). Cytogenetic location: 5q31.1.
Variant type: Deletion.
Coding change: c.3489_3495del on transcript NM_005732.4 (MANE Select); coding-DNA positions 3489 to 3495, 7 bases deleted (AGAAATA; older notation c.3489_3495delAGAAATA).
Protein change: p.Glu1164fs; shifts the reading frame from glutamic acid 1164.
Molecular consequence: frameshift variant. On other transcripts: non-coding transcript variant (2).
Genome position (GRCh38, 1-based): chr5:132,638,094-132,638,100, AGAAATA deleted. VCF-style (leftmost placement, unchanged base first): chr5-132638093-TAGAAATA-T. GRCh37 (hg19) VCF-style: chr5-131973785-TAGAAATA-T.
Other names: short protein forms E1164fs.
Identifiers: ClinVar variation 240238 (VCV000240238.11), dbSNP rs878854799, ClinGen allele CA10582392.

ClinVar aggregate classification (germline): Pathogenic. Review status: criteria provided, multiple submitters, no conflicts (2 of 4 stars). 3 submissions from 3 submitters: Pathogenic (2). 1 of the submissions does not count toward it. Last evaluated 2023-07-08.

Conditions:
Hereditary cancer-predisposing syndrome. Also called: Neoplastic Syndromes, Hereditary; Hereditary neoplastic syndrome; Tumor predisposition; Hereditary Cancer Syndrome. Identifiers: Orphanet 140162, MedGen C0027672, MeSH D009386, MONDO:0015356.
Nijmegen breakage syndrome-like disorder (NBSLD). Also called: MICROCEPHALY AND SPONTANEOUS CHROMOSOME INSTABILITY WITHOUT IMMUNODEFICIENCY; NBS-LIKE DISORDER; RAD50 DEFICIENCY. Identifiers: Orphanet 240760, MedGen C2751318, MONDO:0013118, OMIM 613078.

Allele frequency attached by ClinVar (database versions not stated): gnomAD exomes below 0.00001.

Submissions (3):

Labcorp Genetics (formerly Invitae), Labcorp
Classification: Pathogenic for Hereditary cancer-predisposing syndrome. Last evaluated: 2023-07-08. Review status: criteria provided, single submitter. Criteria: Invitae Variant Classification Sherloc (09022015). Collection method: clinical testing. Allele origin: germline.
Comment: For these reasons, this variant has been classified as Pathogenic. ClinVar contains an entry for this variant (Variation ID: 240238). This variant has not been reported in the literature in individuals affected with RAD50-related conditions. This variant is not present in population databases (gnomAD no frequency). This sequence change creates a premature translational stop signal (p.Glu1164Glyfs*22) in the RAD50 gene. It is expected to result in an absent or disrupted protein product. Loss-of-function variants in RAD50 are known to be pathogenic (PMID: 19409520).

Ambry Genetics
Classification: Pathogenic for Hereditary cancer-predisposing syndrome. Last evaluated: 2021-02-16. Review status: criteria provided, single submitter. Criteria: Ambry Variant Classification Scheme 2023. Collection method: clinical testing. Allele origin: germline.
Comment: The c.3489_3495delAGAAATA pathogenic mutation, located in coding exon 23 of the RAD50 gene, results from a deletion of 7 nucleotides at nucleotide positions 3489 to 3495, causing a translational frameshift with a predicted alternate stop codon (p.E1164Gfs*22). This alteration is expected to result in loss of function by premature protein truncation or nonsense-mediated mRNA decay. As such, this alteration is interpreted as a disease-causing mutation.

Counsyl
Classification: Likely pathogenic for Nijmegen breakage syndrome-like disorder. Last evaluated: 2017-03-20. Review status: no assertion criteria provided. Collection method: clinical testing. Allele origin: unknown. Not counted in ClinVar's aggregate classification.

Literature cited by the submitters: PubMed 19409520 (cited by Labcorp Genetics (formerly Invitae), Labcorp).